The following is an entry in ClinVar:

NM_182931.3(KMT2E):c.456G>T (p.Gln152His)

Gene: KMT2E (lysine methyltransferase 2E (inactive); plus strand). Cytogenetic location: 7q22.3.
Variant type: single nucleotide variant.
Coding change: c.456G>T on transcript NM_182931.3 (MANE Select); coding-DNA position 456, G replaced by T.
Protein change: p.Gln152His; replaces glutamine 152 with histidine.
Molecular consequence: missense variant.
Genome position (GRCh38, 1-based): chr7:105,066,766, G>T. VCF-style: chr7-105066766-G-T. GRCh37 (hg19) VCF-style: chr7-104707213-G-T.
Other names: c.456G>T, p.Gln152His (NM_001410908.1, NM_018682.4); short protein forms Q152H.
Identifiers: ClinVar variation 4530746 (VCV004530746.1).

ClinVar aggregate classification (germline): Uncertain significance (1 of 4 stars; one submission).

Submission:

GeneDx
Classification: Uncertain significance. Last evaluated: 2025-05-23. Review status: criteria provided, single submitter. Criteria: GeneDx Variant Classification Process June 2021. Collection method: clinical testing. Allele origin: germline. Affected: yes.
Comment: Not observed at significant frequency in large population cohorts (gnomAD); In silico analysis supports that this missense variant has a deleterious effect on protein structure/function; Has not been previously published as pathogenic or benign to our knowledge